The following is an entry in ClinVar:

NM_003105.6(SORL1):c.2907_2910+15del

Gene: SORL1 (sortilin related receptor 1; plus strand). Cytogenetic location: 11q24.1.
Variant type: Deletion.
Coding change: c.2907_2910+15del on transcript NM_003105.6 (MANE Select); coding-DNA position 2907 through 15 bases into the intron after coding-DNA position 2910, 19 bases deleted (TAAGGTGAGTCCATTTGTT).
Molecular consequence: splice donor variant.
Genome position (GRCh38, 1-based): chr11:121,558,834-121,558,852, TAAGGTGAGTCCATTTGTT deleted; deleting any 19 consecutive bases within chr11:121,558,832-121,558,852 gives the same sequence; the c. name uses the placement nearest the transcript's 3' end. VCF-style (leftmost placement, unchanged base first): chr11-121558831-CTTTAAGGTGAGTCCATTTG-C. GRCh37 (hg19) VCF-style: chr11-121429540-CTTTAAGGTGAGTCCATTTG-C.
Identifiers: ClinVar variation 4732686 (VCV004732686.1).
Genomic context (GRCh38, chr11:121,558,831, plus strand): 5'-CAGTGGCCAGCAGCGCTCTGTCATTCTGGACAACCTCCCGCACCCCTATGCCATTGCTGT[CTTTAAGGTGAGTCCATTTG>C]TTGCTGCCGGACAGTCTGCTAGAGCGGGTGAGGAGCATATGAGATCAGGAGCCTGCATCC-3'

ClinVar aggregate classification (germline): Likely pathogenic (1 of 4 stars; one submission).

Submission:

Labcorp Genetics (formerly Invitae), Labcorp
Classification: Likely pathogenic. Last evaluated: 2025-12-08. Review status: criteria provided, single submitter. Criteria: Invitae Variant Classification Sherloc (09022015). Collection method: clinical testing. Allele origin: germline.
Comment: This variant results in the deletion of part of exon 20 (c.2907_2910+15del) of the SORL1 gene. It is expected to disrupt RNA splicing. Variants that disrupt the donor or acceptor splice site typically lead to a loss of protein function (PMID: 16199547), and loss-of-function variants in SORL1 are known to be pathogenic (PMID: 26303663, 27026413). This variant is not present in population databases (gnomAD no frequency). This variant has not been reported in the literature in individuals affected with SORL1-related conditions. In summary, the currently available evidence indicates that the variant is pathogenic, but additional data are needed to prove that conclusively. Therefore, this variant has been classified as Likely Pathogenic.

Literature cited by the submitters: PubMed 16199547; PubMed 26303663; PubMed 27026413.